The following is an entry in ClinVar:

ClinVar aggregate classification (germline): Likely benign (0 of 4 stars; one submission).

Conditions:
PLOD2-related disorder. Also called: PLOD2-related condition.

Submission:

PreventionGenetics, part of Exact Sciences
Classification: Likely benign for PLOD2-related condition. Last evaluated: 2024-03-07. Review status: no assertion criteria provided. Collection method: clinical testing. Allele origin: germline.
Comment: This variant is classified as likely benign based on ACMG/AMP sequence variant interpretation guidelines (Richards et al. 2015 PMID: 25741868, with internal and published modifications).

NM_182943.3(PLOD2):c.1995+7A>G

Gene: PLOD2 (procollagen-lysine,2-oxoglutarate 5-dioxygenase 2; minus strand). Cytogenetic location: 3q24.
Variant type: single nucleotide variant.
Coding change: c.1995+7A>G on transcript NM_182943.3 (MANE Select); 7 bases into the intron after coding-DNA position 1995, A replaced by G.
Molecular consequence: intron variant.
Genome position (GRCh38, 1-based): chr3:146,071,270, T>C on the plus strand (A>G on the coding strand, the complement: PLOD2 is on the minus strand). VCF-style: chr3-146071270-T-C. GRCh37 (hg19) VCF-style: chr3-145789057-T-C.
Other names: c.1932+7A>G (NM_000935.3).
Identifiers: ClinVar variation 3349360 (VCV003349360.1).